The following is an entry in ClinVar:

NM_018847.4(KLHL9):c.1045_1047del (p.Leu349del)

Gene: KLHL9 (kelch like family member 9; minus strand). Cytogenetic location: 9p21.3.
Variant type: Deletion.
Coding change: c.1045_1047del on transcript NM_018847.4 (MANE Select); coding-DNA positions 1045 to 1047, 3 bases deleted (CTT; older notation c.1045_1047delCTT).
Protein change: p.Leu349del; deletes leucine 349.
Molecular consequence: inframe deletion.
Genome position (GRCh38, 1-based): chr9:21,333,813-21,333,815, AAG deleted on the plus strand (CTT on the coding strand, the reverse complement: KLHL9 is on the minus strand); deleting any 3 consecutive bases within chr9:21,333,813-21,333,817 gives the same sequence; the c. name uses the placement nearest the transcript's 3' end. VCF-style (leftmost placement, unchanged base first): chr9-21333812-AAAG-A. GRCh37 (hg19) VCF-style: chr9-21333811-AAAG-A.
Other names: short protein forms L349del.
Identifiers: ClinVar variation 2854843 (VCV002854843.3), dbSNP rs2537380962, ClinGen allele CA2739269161.
Genomic context (GRCh38, chr9:21,333,812, plus strand): 5'-AAACTGTATCAACAGCAGTTTTTCCTTTTGTATCATAATTACTCTGACCACCAACTACAT[AAAG>A]AAAGTTTCCAATGACAGCAATACCATGCTGGTAACGGGGAGCATCCATTGGGGCTAAAGA-3'

ClinVar aggregate classification (germline): Uncertain significance (1 of 4 stars; one submission).

Submission:

Labcorp Genetics (formerly Invitae), Labcorp
Classification: Uncertain significance. Last evaluated: 2023-04-16. Review status: criteria provided, single submitter. Criteria: Invitae Variant Classification Sherloc (09022015). Collection method: clinical testing. Allele origin: germline.
Comment: In summary, the available evidence is currently insufficient to determine the role of this variant in disease. Therefore, it has been classified as a Variant of Uncertain Significance. This variant, c.1045_1047del, results in the deletion of 1 amino acid(s) of the KLHL9 protein (p.Leu349del), but otherwise preserves the integrity of the reading frame. This variant is not present in population databases (gnomAD no frequency). This variant has not been reported in the literature in individuals affected with KLHL9-related conditions. Experimental studies and prediction algorithms are not available or were not evaluated, and the functional significance of this variant is currently unknown.